The following is an entry in ClinVar:

NM_144573.4(NEXN):c.874G>A (p.Asp292Asn)

Gene: NEXN (nexilin F-actin binding protein; plus strand). Cytogenetic location: 1p31.1.
Variant type: single nucleotide variant.
Coding change: c.874G>A on transcript NM_144573.4 (MANE Select); coding-DNA position 874, G replaced by A.
Protein change: p.Asp292Asn; replaces aspartic acid 292 with asparagine.
Molecular consequence: missense variant.
Genome position (GRCh38, 1-based): chr1:77,929,325, G>A. VCF-style: chr1-77929325-G-A. GRCh37 (hg19) VCF-style: chr1-78395010-G-A.
Other names: p.D292N:GAT>AAT; c.682G>A, p.Asp228Asn (NM_001172309.2); short protein forms D292N, D228N.
Identifiers: ClinVar variation 201942 (VCV000201942.20), dbSNP rs373377525, ClinGen allele CA335460.

ClinVar aggregate classification (germline): Uncertain significance. Review status: criteria provided, multiple submitters, no conflicts (2 of 4 stars). 9 submissions from 9 submitters: Uncertain significance (7). 2 of the submissions do not count toward it. Last evaluated 2026-06-08.

Conditions:
NEXN-related disorder. Also called: NEXN-related condition; NEXN-related disorders.
Cardiovascular phenotype. Identifiers: MedGen CN230736.
Hypertrophic cardiomyopathy 20. Identifiers: MedGen C3151267, MONDO:0013477, OMIM 613876.
Dilated cardiomyopathy 1CC (CMD1CC). Identifiers: Orphanet 154, MedGen C2751084, MONDO:0013147, OMIM 613122.
Cardiomyopathy (CMYO). Also called: Cardiomyopathies. Identifiers: Orphanet 167848, MedGen C0878544, MONDO:0004994, HP:0001638. Inheritance: Various modes of inheritance.

Allele frequency attached by ClinVar (database versions not stated): gnomAD exomes below 0.00001 and 0.00003; gnomAD 0.00002; TOPMed 0.00002; ESP Exome Variant Server 0.00008.
gnomAD v4.1: 43 of 1,608,582 alleles (0.0027%); highest among the groups gnomAD compares: Middle Eastern, 0.017%; no homozygotes.

Submissions (9):

Women's Health and Genetics/Laboratory Corporation of America, LabCorp
Classification: Uncertain significance. Last evaluated: 2026-06-08. Review status: criteria provided, single submitter. Criteria: LabCorp Variant Classification Summary - May 2015. Collection method: clinical testing. Allele origin: germline.
Comment: Variant summary: NEXN c.874G>A (p.Asp292Asn) results in a conservative amino acid change in the encoded protein sequence. Algorithms developed to predict the effect of missense changes on protein structure and function are either unavailable or do not agree on the potential impact of this missense change. The variant allele was found at a frequency of 4.1e-06 in 246434 control chromosomes. The available data on variant occurrences in the general population are insufficient to allow any conclusion about variant significance. c.874G>A has been observed in individual(s) affected with NEXN-related conditions without strong evidence for causality (e.g. vanLint_2019). These report(s) do not provide unequivocal conclusions about association of the variant with disease. To our knowledge, no experimental evidence demonstrating an impact on protein function has been reported. The following publication has been ascertained in the context of this evaluation (PMID: 30847666). ClinVar contains an entry for this variant (Variation ID: 201942). Based on the evidence outlined above, the variant was classified as uncertain significance.

PreventionGenetics, part of Exact Sciences
Classification: Uncertain significance for NEXN-related condition. Last evaluated: 2026-04-20. Review status: criteria provided, single submitter. Criteria: ACMG Guidelines, 2015. Collection method: clinical testing. Allele origin: germline.
Comment: The NEXN c.874G>A variant is predicted to result in the amino acid substitution p.Asp292Asn. This variant has been reported as a variant of uncertain significance in an individual with dilated cardiomyopathy (Supplementary File 2, van Lint et al. 2019. PubMed ID: 30847666). This variant is reported in 0.00091% of alleles in individuals of European (Non-Finnish) descent in gnomAD. At this time, the clinical significance of this variant is uncertain due to the absence of conclusive functional and genetic evidence.

Labcorp Genetics (formerly Invitae), Labcorp
Classification: Uncertain significance for Dilated cardiomyopathy 1CC; Hypertrophic cardiomyopathy 20. Last evaluated: 2023-11-06. Review status: criteria provided, single submitter. Criteria: Invitae Variant Classification Sherloc (09022015). Collection method: clinical testing. Allele origin: germline.
Comment: This sequence change replaces aspartic acid, which is acidic and polar, with asparagine, which is neutral and polar, at codon 292 of the NEXN protein (p.Asp292Asn). This variant is not present in population databases (gnomAD no frequency). This missense change has been observed in individual(s) with dilated cardiomyopathy (PMID: 30847666). ClinVar contains an entry for this variant (Variation ID: 201942). Advanced modeling of protein sequence and biophysical properties (such as structural, functional, and spatial information, amino acid conservation, physicochemical variation, residue mobility, and thermodynamic stability) performed at Invitae indicates that this missense variant is not expected to disrupt NEXN protein function with a negative predictive value of 80%. In summary, the available evidence is currently insufficient to determine the role of this variant in disease. Therefore, it has been classified as a Variant of Uncertain Significance.

GeneDx
Classification: Uncertain significance. Last evaluated: 2023-07-13. Review status: criteria provided, single submitter. Criteria: GeneDx Variant Classification Process June 2021. Collection method: clinical testing. Allele origin: germline. Affected: yes.
Comment: Identified in a patient with DCM in published literature (van Lint et al., 2019); Not observed at a significant frequency in large population cohorts (gnomAD); In silico analysis supports that this missense variant does not alter protein structure/function; This variant is associated with the following publications: (PMID: 30847666)

Ambry Genetics
Classification: Uncertain significance for Cardiovascular phenotype. Last evaluated: 2023-04-18. Review status: criteria provided, single submitter. Criteria: Ambry Variant Classification Scheme 2023. Collection method: clinical testing. Allele origin: germline.
Comment: The p.D292N variant (also known as c.874G>A), located in coding exon 8 of the NEXN gene, results from a G to A substitution at nucleotide position 874. The aspartic acid at codon 292 is replaced by asparagine, an amino acid with highly similar properties. This variant has been detected in an individual who underwent genetic testing for dilated cardiomyopathy; however, clinical details were limited (van Lint FHM et al. Neth Heart J, 2019 Jun;27:304-309). This amino acid position is poorly conserved in available vertebrate species. In addition, this alteration is predicted to be tolerated by in silico analysis. Since supporting evidence is limited at this time, the clinical significance of this alteration remains unclear.

Fulgent Genetics
Classification: Uncertain significance for Dilated cardiomyopathy 1CC; Hypertrophic cardiomyopathy 20. Last evaluated: 2021-09-07. Review status: criteria provided, single submitter. Criteria: ACMG Guidelines, 2015. Collection method: clinical testing. Allele origin: unknown.

CHEO Genetics Diagnostic Laboratory, Children's Hospital of Eastern Ontario
Classification: Uncertain significance for Cardiomyopathy. Last evaluated: 2018-02-16. Review status: criteria provided, single submitter. Criteria: ACMG Guidelines, 2015. Collection method: clinical testing. Allele origin: germline.

Clinical Genetics, Academic Medical Center
Classification: Uncertain significance. Review status: no assertion criteria provided. Collection method: clinical testing. Allele origin: germline. Affected: yes. Study: VKGL Data-share Consensus. Not counted in ClinVar's aggregate classification.

Genome Diagnostics Laboratory, University Medical Center Utrecht
Classification: Uncertain significance. Review status: no assertion criteria provided. Collection method: clinical testing. Allele origin: germline. Affected: yes. Study: VKGL Data-share Consensus. Not counted in ClinVar's aggregate classification.

Literature cited by the submitters: PubMed 30847666 (cited by 3 submitters).